The following is an entry in ClinVar:

ClinVar aggregate classification (germline): Uncertain significance (1 of 4 stars; one submission).

Allele frequency attached by ClinVar (database versions not stated): gnomAD exomes below 0.00001.

Submission:

Labcorp Genetics (formerly Invitae), Labcorp
Classification: Uncertain significance. Last evaluated: 2022-07-05. Review status: criteria provided, single submitter. Criteria: Invitae Variant Classification Sherloc (09022015). Collection method: clinical testing. Allele origin: germline.
Comment: In summary, the available evidence is currently insufficient to determine the role of this variant in disease. Therefore, it has been classified as a Variant of Uncertain Significance. Algorithms developed to predict the effect of missense changes on protein structure and function (SIFT, PolyPhen-2, Align-GVGD) all suggest that this variant is likely to be disruptive. ClinVar contains an entry for this variant (Variation ID: 1391537). This variant has not been reported in the literature in individuals affected with ITGAM-related conditions. This variant is not present in population databases (gnomAD no frequency). This sequence change replaces proline, which is neutral and non-polar, with threonine, which is neutral and polar, at codon 307 of the ITGAM protein (p.Pro307Thr).

NM_000632.4(ITGAM):c.919C>A (p.Pro307Thr)

Gene: ITGAM (integrin subunit alpha M; plus strand). Cytogenetic location: 16p11.2.
Variant type: single nucleotide variant.
Coding change: c.919C>A on transcript NM_000632.4 (MANE Select); coding-DNA position 919, C replaced by A.
Protein change: p.Pro307Thr; replaces proline 307 with threonine.
Molecular consequence: missense variant.
Genome position (GRCh38, 1-based): chr16:31,275,609, C>A. VCF-style: chr16-31275609-C-A. GRCh37 (hg19) VCF-style: chr16-31286930-C-A.
Other names: c.919C>A, p.Pro307Thr (NM_001145808.2); short protein forms P307T.
Identifiers: ClinVar variation 1391537 (VCV001391537.6), dbSNP rs2079897915, ClinGen allele CA395697565.